The following is an entry in ClinVar:

ClinVar aggregate classification (germline): Uncertain significance (1 of 4 stars; one submission).

Conditions:
Duchenne muscular dystrophy (DMD). Also called: Duchenne Muscular Dystrophy (DMD); MUSCULAR DYSTROPHY, PSEUDOHYPERTROPHIC PROGRESSIVE, DUCHENNE TYPE. Identifiers: Orphanet 98896, MedGen C0013264, MONDO:0010679, OMIM 310200.

Submission:

Labcorp Genetics (formerly Invitae), Labcorp
Classification: Uncertain significance for Duchenne muscular dystrophy. Last evaluated: 2021-11-02. Review status: criteria provided, single submitter. Criteria: Invitae Variant Classification Sherloc (09022015). Collection method: clinical testing. Allele origin: germline.
Comment: This sequence change replaces leucine, which is neutral and non-polar, with phenylalanine, which is neutral and non-polar, at codon 1864 of the DMD protein (p.Leu1864Phe). This variant is not present in population databases (gnomAD no frequency). This variant has not been reported in the literature in individuals affected with DMD-related conditions. Algorithms developed to predict the effect of missense changes on protein structure and function are either unavailable or do not agree on the potential impact of this missense change (SIFT: "Deleterious"; PolyPhen-2: "Possibly Damaging"; Align-GVGD: "Class C0"). In summary, the available evidence is currently insufficient to determine the role of this variant in disease. Therefore, it has been classified as a Variant of Uncertain Significance.

NM_004006.3(DMD):c.5592G>T (p.Leu1864Phe)

Gene: DMD (dystrophin; minus strand). Cytogenetic location: Xp21.1.
Variant type: single nucleotide variant.
Coding change: c.5592G>T on transcript NM_004006.3 (MANE Select); coding-DNA position 5592, G replaced by T.
Protein change: p.Leu1864Phe; replaces leucine 1864 with phenylalanine.
Molecular consequence: missense variant.
Genome position (GRCh38, 1-based): chrX:32,343,281, C>A on the plus strand (G>T on the coding strand, the complement: DMD is on the minus strand). VCF-style: chrX-32343281-C-A. GRCh37 (hg19) VCF-style: chrX-32361398-C-A.
Other names: c.5568G>T, p.Leu1856Phe (NM_000109.4); c.5580G>T, p.Leu1860Phe (NM_004009.3); c.5223G>T, p.Leu1741Phe (NM_004010.3); c.1569G>T, p.Leu523Phe (NM_004011.4); c.1560G>T, p.Leu520Phe (NM_004012.4); short protein forms L523F, L1856F, L1860F, L1864F, L520F, L1741F.
Identifiers: ClinVar variation 1501149 (VCV001501149.6), dbSNP rs2146992885, ClinGen allele CA412666502.
Genomic context (GRCh38, chrX:32,343,281, plus strand): 5'-CCTCTTGTACTGATACCACTGATGAGAAATTTCTAGAGCCTTTTTTCTTCTTTGAGACCT[C>A]AAATCCTGTTCATGGTGCAGACATTATTAAAATATCAATATATATGTATAGTGCACTTCT-3'
Protein context (NP_003997.2, residues 1854-1874): LQTKHNALKD[Leu1864Phe]RSQRRKKALE